The following is an entry in ClinVar:

ClinVar aggregate classification (germline): Uncertain significance. Review status: criteria provided, multiple submitters, no conflicts (2 of 4 stars). 2 submissions from 2 submitters: Uncertain significance (2). Last evaluated 2024-02-08.

Conditions:
Pancreatic cancer, susceptibility to, 1. Identifiers: Orphanet 1333, MedGen C1847351, MONDO:0011739, OMIM 606856.

Allele frequency attached by ClinVar (database versions not stated): ExAC 0.00001; gnomAD exomes 0.00001; TOPMed 0.00001.
gnomAD v4.1: 4 of 1,614,178 alleles (0.00025%); highest among the groups gnomAD compares: African/African-American, 0.0027%; no homozygotes.

Submissions (2):

Fulgent Genetics
Classification: Uncertain significance for Pancreatic cancer, susceptibility to, 1. Last evaluated: 2024-02-08. Review status: criteria provided, single submitter. Criteria: ACMG Guidelines, 2015. Collection method: clinical testing. Allele origin: germline.

Ambry Genetics
Classification: Uncertain significance. Last evaluated: 2021-07-29. Review status: criteria provided, single submitter. Criteria: Ambry Variant Classification Scheme 2023. Collection method: clinical testing. Allele origin: germline.
Comment: The p.S198L variant (also known as c.593C>T), located in coding exon 1 of the PALLD gene, results from a C to T substitution at nucleotide position 593. The serine at codon 198 is replaced by leucine, an amino acid with dissimilar properties. This amino acid position is conserved. In addition, the in silico prediction for this alteration is inconclusive. Since supporting evidence is limited at this time, the clinical significance of this alteration remains unclear.

NM_001166108.2(PALLD):c.593C>T (p.Ser198Leu)

Gene: PALLD (palladin, cytoskeletal associated protein; plus strand). Cytogenetic location: 4q32.3.
Variant type: single nucleotide variant.
Coding change: c.593C>T on transcript NM_001166108.2 (MANE Select); coding-DNA position 593, C replaced by T.
Protein change: p.Ser198Leu; replaces serine 198 with leucine.
Molecular consequence: missense variant.
Genome position (GRCh38, 1-based): chr4:168,512,097, C>T. VCF-style: chr4-168512097-C-T. GRCh37 (hg19) VCF-style: chr4-169433248-C-T.
Other names: c.593C>T, p.Ser198Leu (NM_016081.4); short protein forms S198L.
Identifiers: ClinVar variation 1750611 (VCV001750611.3), dbSNP rs770328647, ClinGen allele CA3135396.